The following is an entry in ClinVar:

ClinVar aggregate classification (germline): Uncertain significance (1 of 4 stars; one submission).

Allele frequency attached by ClinVar (database versions not stated): gnomAD exomes below 0.00001; TOPMed below 0.00001.
gnomAD v4.1: 3 of 1,613,538 alleles (0.00019%); highest among the groups gnomAD compares: Non-Finnish European, 0.00025%; no homozygotes.

Submission:

Labcorp Genetics (formerly Invitae), Labcorp
Classification: Uncertain significance. Last evaluated: 2022-11-28. Review status: criteria provided, single submitter. Criteria: Invitae Variant Classification Sherloc (09022015). Collection method: clinical testing. Allele origin: germline.
Comment: ClinVar contains an entry for this variant (Variation ID: 1498719). This variant has not been reported in the literature in individuals affected with OPA1-related conditions. This variant is not present in population databases (gnomAD no frequency). This sequence change replaces lysine, which is basic and polar, with arginine, which is basic and polar, at codon 204 of the OPA1 protein (p.Lys204Arg). Advanced modeling of protein sequence and biophysical properties (such as structural, functional, and spatial information, amino acid conservation, physicochemical variation, residue mobility, and thermodynamic stability) performed at Invitae indicates that this missense variant is not expected to disrupt OPA1 protein function. In summary, the available evidence is currently insufficient to determine the role of this variant in disease. Therefore, it has been classified as a Variant of Uncertain Significance.

NM_130837.3(OPA1):c.665A>G (p.Lys222Arg)

Genes: OPA1 (OPA1 mitochondrial dynamin like GTPase; plus strand), OPA1-AS1 (OPA1 antisense RNA 1; minus strand). Cytogenetic location: 3q29.
Variant type: single nucleotide variant.
Coding change: c.665A>G on transcript NM_130837.3 (MANE Select); coding-DNA position 665, A replaced by G.
Protein change: p.Lys222Arg; replaces lysine 222 with arginine.
Molecular consequence: missense variant.
Genome position (GRCh38, 1-based): chr3:193,618,923, A>G. VCF-style: chr3-193618923-A-G. GRCh37 (hg19) VCF-style: chr3-193336712-A-G.
Other names: c.131A>G, p.Lys44Arg (NM_001354663.2); c.239A>G, p.Lys80Arg (NM_001354664.2); c.611A>G, p.Lys204Arg (NM_015560.3, NM_130836.3); c.503A>G, p.Lys168Arg (NM_130831.3, NM_130833.3); c.557A>G, p.Lys186Arg (NM_130832.3, NM_130835.3); c.665A>G, p.Lys222Arg (NM_130834.3); short protein forms K204R, K186R, K80R, K168R, K222R, K44R.
Identifiers: ClinVar variation 1498719 (VCV001498719.8), dbSNP rs1729522355, ClinGen allele CA355788325.